The following is an entry in ClinVar:

ClinVar aggregate classification (germline): Uncertain significance. Review status: criteria provided, multiple submitters, no conflicts (2 of 4 stars). 5 submissions from 5 submitters: Uncertain significance (5). Last evaluated 2025-11-28.

Conditions:
MYLK-related disorder. Also called: MYLK-related condition.
Familial thoracic aortic aneurysm and aortic dissection (TAAD). Also called: Thoracic aortic aneurysms and dissections. Identifiers: Orphanet 91387, MedGen C4707243, MONDO:0019625.
Aortic aneurysm, familial thoracic 7 (AAT7). Also called: AORTIC DISSECTION, FAMILIAL, WITH OR WITHOUT AORTIC ANEURYSM. Identifiers: MedGen C3151077, MONDO:0013418, OMIM 613780.

Allele frequency attached by ClinVar (database versions not stated): gnomAD 0.00001; TOPMed 0.00001; ExAC 0.00002; gnomAD exomes 0.00002.
gnomAD v4.1: 78 of 1,614,086 alleles (0.0048%); highest among the groups gnomAD compares: Middle Eastern, 0.016%; no homozygotes.

Submissions (5):

Labcorp Genetics (formerly Invitae), Labcorp
Classification: Uncertain significance for Aortic aneurysm, familial thoracic 7. Last evaluated: 2025-11-28. Review status: criteria provided, single submitter. Criteria: Invitae Variant Classification Sherloc (09022015). Collection method: clinical testing. Allele origin: germline.
Comment: This sequence change replaces arginine, which is basic and polar, with cysteine, which is neutral and slightly polar, at codon 926 of the MYLK protein (p.Arg926Cys). This variant is present in population databases (rs766824318, gnomAD 0.003%). This missense change has been observed in individuals with autosomal dominant MYLK-related conditions (internal data). ClinVar contains an entry for this variant (Variation ID: 241756). Invitae Evidence Modeling of protein sequence and biophysical properties (such as structural, functional, and spatial information, amino acid conservation, physicochemical variation, residue mobility, and thermodynamic stability) indicates that this missense variant is not expected to disrupt MYLK protein function with a negative predictive value of 80%. This variant disrupts the p.Arg926 amino acid residue in MYLK. Other variant(s) that disrupt this residue have been observed in individuals with MYLK-related conditions (PMID: 25944730), which suggests that this may be a clinically significant amino acid residue. In summary, the available evidence is currently insufficient to determine the role of this variant in disease. Therefore, it has been classified as a Variant of Uncertain Significance.

Ambry Genetics
Classification: Uncertain significance for Familial thoracic aortic aneurysm and aortic dissection. Last evaluated: 2025-09-30. Review status: criteria provided, single submitter. Criteria: Ambry Variant Classification Scheme 2023. Collection method: clinical testing. Allele origin: germline.
Comment: The p.R926C variant (also known as c.2776C>T), located in coding exon 15 of the MYLK gene, results from a C to T substitution at nucleotide position 2776. The arginine at codon 926 is replaced by cysteine, an amino acid with highly dissimilar properties. This amino acid position is highly conserved in available vertebrate species. In addition, the in silico prediction for this alteration is inconclusive. Based on the available evidence, the clinical significance of this variant remains unclear.

PreventionGenetics, part of Exact Sciences
Classification: Uncertain significance for MYLK-related condition. Last evaluated: 2025-08-04. Review status: criteria provided, single submitter. Criteria: ACMG Guidelines, 2015. Collection method: clinical testing. Allele origin: germline.
Comment: The MYLK c.2776C>T variant is predicted to result in the amino acid substitution p.Arg926Cys. To our knowledge, this variant has not been reported in the literature. An alternate missense change at the same amino acid position (p.Arg926His) was reported as a variant of uncertain significance in an individual with thoracic aortic aneurysms and dissections (Wooderchak-Donahue et al. 2015. PubMed ID: 25944730). This variant is reported in 0.0035% of alleles in individuals of European (Non-Finnish) descent in gnomAD. At this time, the clinical significance of this variant is uncertain due to the absence of conclusive functional and genetic evidence.

GeneDx
Classification: Uncertain significance. Last evaluated: 2022-12-19. Review status: criteria provided, single submitter. Criteria: GeneDx Variant Classification Process June 2021. Collection method: clinical testing. Allele origin: germline. Affected: yes.
Comment: Has not been previously published as pathogenic or benign to our knowledge; Not observed at a significant frequency in large population cohorts (gnomAD); In silico analysis supports that this missense variant has a deleterious effect on protein structure/function

Center for Genomics, Ann and Robert H. Lurie Children's Hospital of Chicago
Classification: Uncertain significance for Aortic aneurysm, familial thoracic 7. Last evaluated: 2021-06-14. Review status: criteria provided, single submitter. Criteria: ACMG Guidelines, 2015. Collection method: clinical testing. Allele origin: germline.
Comment: MYLK NM_053025.3 exon 18 p.Arg926Cys (c.2776C>T):This variant has not been reported in the literature and is not present in large control databases. This variant is present in ClinVar (Variation ID:241756). Evolutionary conservation and computational predictive tools suggest that this variant may impact the protein. In summary, data on this variant is insufficient for disease classification. Therefore, the clinical significance of this variant is uncertain.

Literature cited by the submitters: PubMed 25944730 (cited by Labcorp Genetics (formerly Invitae), Labcorp).

NM_053025.4(MYLK):c.2776C>T (p.Arg926Cys)

Gene: MYLK (myosin light chain kinase; minus strand). Cytogenetic location: 3q21.1.
Variant type: single nucleotide variant.
Coding change: c.2776C>T on transcript NM_053025.4 (MANE Select); coding-DNA position 2776, C replaced by T.
Protein change: p.Arg926Cys; replaces arginine 926 with cysteine.
Molecular consequence: missense variant.
Genome position (GRCh38, 1-based): chr3:123,700,692, G>A on the plus strand (C>T on the coding strand, the complement: MYLK is on the minus strand). VCF-style: chr3-123700692-G-A. GRCh37 (hg19) VCF-style: chr3-123419539-G-A.
Other names: c.2248C>T, p.Arg750Cys (NM_001321309.2); c.2569C>T, p.Arg857Cys (NM_053026.4, NM_053028.4); c.2776C>T, p.Arg926Cys (NM_053027.4); short protein forms R926C, R750C, R857C.
Identifiers: ClinVar variation 241756 (VCV000241756.17), dbSNP rs766824318, ClinGen allele CA069004.